The following is an entry in ClinVar:

ClinVar aggregate classification (germline): Uncertain significance. Review status: criteria provided, multiple submitters, no conflicts (2 of 4 stars). 2 submissions from 2 submitters: Uncertain significance (2). Last evaluated 2024-04-06.

Conditions:
Inborn genetic diseases. Identifiers: MedGen C0950123, MeSH D030342.

Allele frequency attached by ClinVar (database versions not stated): gnomAD 0.00003 and 0.00004; TOPMed 0.00005; ExAC 0.00008.
gnomAD v4.1: 34 of 1,515,714 alleles (0.0022%); highest among the groups gnomAD compares: African/African-American, 0.014%; no homozygotes.

Submissions (2):

Ambry Genetics
Classification: Uncertain significance for Inborn genetic diseases. Last evaluated: 2024-04-06. Review status: criteria provided, single submitter. Criteria: Ambry Variant Classification Scheme 2023. Collection method: clinical testing. Allele origin: germline.

Labcorp Genetics (formerly Invitae), Labcorp
Classification: Uncertain significance. Last evaluated: 2023-10-29. Review status: criteria provided, single submitter. Criteria: Invitae Variant Classification Sherloc (09022015). Collection method: clinical testing. Allele origin: germline.
Comment: This sequence change replaces glutamic acid, which is acidic and polar, with lysine, which is basic and polar, at codon 498 of the LETM1 protein (p.Glu498Lys). This variant is present in population databases (rs752894460, gnomAD 0.03%). This variant has not been reported in the literature in individuals affected with LETM1-related conditions. ClinVar contains an entry for this variant (Variation ID: 1424952). An algorithm developed to predict the effect of missense changes on protein structure and function (PolyPhen-2) suggests that this variant is likely to be tolerated. In summary, the available evidence is currently insufficient to determine the role of this variant in disease. Therefore, it has been classified as a Variant of Uncertain Significance.

NM_012318.3(LETM1):c.1492G>A (p.Glu498Lys)

Gene: LETM1 (leucine zipper and EF-hand containing transmembrane protein 1; minus strand). Cytogenetic location: 4p16.3.
Variant type: single nucleotide variant.
Coding change: c.1492G>A on transcript NM_012318.3 (MANE Select); coding-DNA position 1492, G replaced by A.
Protein change: p.Glu498Lys; replaces glutamic acid 498 with lysine.
Molecular consequence: missense variant.
Genome position (GRCh38, 1-based): chr4:1,822,297, C>T on the plus strand (G>A on the coding strand, the complement: LETM1 is on the minus strand). VCF-style: chr4-1822297-C-T. GRCh37 (hg19) VCF-style: chr4-1824024-C-T.
Other names: c.1492G>A (NM_012318.2); short protein forms E498K.
Identifiers: ClinVar variation 1424952 (VCV001424952.9), dbSNP rs752894460, ClinGen allele CA2811242.